The following is an entry in ClinVar:

NM_021098.3(CACNA1H):c.2327G>C (p.Gly776Ala)

Gene: CACNA1H (calcium voltage-gated channel subunit alpha1 H; plus strand). Cytogenetic location: 16p13.3.
Variant type: single nucleotide variant.
Coding change: c.2327G>C on transcript NM_021098.3 (MANE Select); coding-DNA position 2327, G replaced by C.
Protein change: p.Gly776Ala; replaces glycine 776 with alanine.
Molecular consequence: missense variant.
Genome position (GRCh38, 1-based): chr16:1,204,334, G>C. VCF-style: chr16-1204334-G-C. GRCh37 (hg19) VCF-style: chr16-1254334-G-C.
Other names: c.2327G>C, p.Gly776Ala (NM_001005407.2); short protein forms G776A.
Identifiers: ClinVar variation 3629524 (VCV003629524.2).
Genomic context (GRCh38, chr16:1,204,334, plus strand): 5'-CAGGCAGCCCCCAGCGGCGGGCACAGCAGAGGGCAGCCCCGGGCGAGCCAGGCTGGATGG[G>C]CCGCCTCTGGGTTACCTTCAGCGGCAAGCTGCGCCGCATCGTGGACAGCAAGTACTTCAG-3'
Protein context (NP_066921.2, residues 766-786): RAAPGEPGWM[Gly776Ala]RLWVTFSGKL

ClinVar aggregate classification (germline): Uncertain significance (1 of 4 stars; one submission).

Submission:

Women's Health and Genetics/Laboratory Corporation of America, LabCorp
Classification: Uncertain significance. Last evaluated: 2024-11-27. Review status: criteria provided, single submitter. Criteria: LabCorp Variant Classification Summary - May 2015. Collection method: clinical testing. Allele origin: germline.
Comment: Variant summary: CACNA1H c.2327G>C (p.Gly776Ala) results in a non-conservative amino acid change in the encoded protein sequence. Four of five in-silico tools predict a benign effect of the variant on protein function. The variant was absent in 229584 control chromosomes. The available data on variant occurrences in the general population are insufficient to allow any conclusion about variant significance. To our knowledge, no occurrence of c.2327G>C in individuals affected with Idiopathic Generalized Epilepsy and no experimental evidence demonstrating its impact on protein function have been reported. No submitters have cited clinical-significance assessments for this variant to ClinVar. Based on the evidence outlined above, the variant was classified as uncertain significance.